The following is an entry in ClinVar:

GRCh38/hg38 4p16.3(chr4:1979219-1995442)x1

Genes: MIR943 (microRNA 943; minus strand), NELFA (negative elongation factor complex member A; minus strand), NSD2 (nuclear receptor binding SET domain protein 2; plus strand). Cytogenetic location: 4p16.3.
Variant type: copy number loss.
Change: copy number 1 (one copy instead of two) of chr4:1,979,219-1,995,442 (16.2 kb, GRCh38 coordinates, 1-based), cytogenetic band 4p16.3.
Identifiers: ClinVar variation 60163 (VCV000060163.1).

ClinVar aggregate classification (germline): Uncertain significance (1 of 4 stars; one submission).

Submission:

ISCA site 15
Classification: Uncertain significance. Last evaluated: 2011-08-12. Review status: criteria provided, single submitter. Criteria: Kaminsky et al. (Genet Med. 2011). Collection method: clinical testing. Allele origin: unknown. Affected: yes. Observed: 1 variant allele.
Comment: Copy number variation identified through the course of routine clinical cytogenomic testing in postnatal populations. Clinical assertions have been curated as described in Kaminsky et al. 2011.